The following is an entry in ClinVar:

ClinVar aggregate classification (germline): Uncertain significance (1 of 4 stars; one submission).

Conditions:
Inborn genetic diseases. Identifiers: MedGen C0950123, MeSH D030342.

Submission:

Ambry Genetics
Classification: Uncertain significance for Inborn genetic diseases. Last evaluated: 2025-04-23. Review status: criteria provided, single submitter. Criteria: Ambry Variant Classification Scheme 2023. Collection method: clinical testing. Allele origin: germline.
Comment: The p.S267R variant (also known as c.801C>A), located in coding exon 1 of the SMAD6 gene, results from a C to A substitution at nucleotide position 801. The serine at codon 267 is replaced by arginine, an amino acid with dissimilar properties. This amino acid position is conserved. In addition, the in silico prediction for this alteration is inconclusive. Based on the available evidence, the clinical significance of this variant remains unclear.

NM_005585.5(SMAD6):c.801C>A (p.Ser267Arg)

Gene: SMAD6 (SMAD family member 6; plus strand). Cytogenetic location: 15q22.31.
Variant type: single nucleotide variant.
Coding change: c.801C>A on transcript NM_005585.5 (MANE Select); coding-DNA position 801, C replaced by A.
Protein change: p.Ser267Arg; replaces serine 267 with arginine.
Molecular consequence: missense variant. On other transcripts: non-coding transcript variant (1).
Genome position (GRCh38, 1-based): chr15:66,704,059, C>A. VCF-style: chr15-66704059-C-A. GRCh37 (hg19) VCF-style: chr15-66996397-C-A.
Other names: short protein forms S267R.
Identifiers: ClinVar variation 3958359 (VCV003958359.1).
Genomic context (GRCh38, chr15:66,704,059, plus strand): 5'-CCACAGCTTCGCCGCCGCCGCCGACGGCCCTACCGTGTGCTGCAACCCCTACCACTTCAG[C>A]CGGCTCTGCGGGCCCGGTGAGCGCGCTGCGCCGGCCGGGGGGGCCCCGGGTCCCCGTCCC-3'
Protein context (NP_005576.3, residues 257-277): PTVCCNPYHF[Ser267Arg]RLCGPESPPP